The following is an entry in ClinVar:

NM_177438.3(DICER1):c.4597G>A (p.Glu1533Lys)

Gene: DICER1 (dicer 1, ribonuclease III; minus strand). Cytogenetic location: 14q32.13.
Variant type: single nucleotide variant.
Coding change: c.4597G>A on transcript NM_177438.3 (MANE Select); coding-DNA position 4597, G replaced by A.
Protein change: p.Glu1533Lys; replaces glutamic acid 1533 with lysine.
Molecular consequence: missense variant.
Genome position (GRCh38, 1-based): chr14:95,096,323, C>T on the plus strand (G>A on the coding strand, the complement: DICER1 is on the minus strand). VCF-style: chr14-95096323-C-T. GRCh37 (hg19) VCF-style: chr14-95562660-C-T.
Other names: c.4597G>A, p.Glu1533Lys (NM_001195573.1, NM_001271282.3, NM_001291628.2 and 1 more transcripts); short protein forms E1533K.
Identifiers: ClinVar variation 825027 (VCV000825027.4), dbSNP rs1595340678, ClinGen allele CA390867728.

ClinVar aggregate classification (germline): Uncertain significance (1 of 4 stars; one submission).

Conditions:
Hereditary cancer-predisposing syndrome. Also called: Neoplastic Syndromes, Hereditary; Tumor predisposition; Hereditary neoplastic syndrome; Hereditary Cancer Syndrome. Identifiers: Orphanet 140162, MedGen C0027672, MeSH D009386, MONDO:0015356.

Submission:

Ambry Genetics
Classification: Uncertain significance for Hereditary cancer-predisposing syndrome. Last evaluated: 2019-05-23. Review status: criteria provided, single submitter. Criteria: Ambry Variant Classification Scheme 2023. Collection method: clinical testing. Allele origin: germline.
Comment: The p.E1533K variant (also known as c.4597G>A), located in coding exon 22 of the DICER1 gene, results from a G to A substitution at nucleotide position 4597. The glutamic acid at codon 1533 is replaced by lysine, an amino acid with similar properties. This amino acid position is highly conserved in available vertebrate species. In addition, this alteration is predicted to be deleterious by in silico analysis. Since supporting evidence is limited at this time, the clinical significance of this alteration remains unclear.